The following is an entry in ClinVar:

ClinVar aggregate classification (germline): Uncertain significance (1 of 4 stars; one submission).

Conditions:
MRTFB-related neurodevelopmental disorder.

Submission:

3billion
Classification: Uncertain significance for MRTFB-related neurodevelopmental disorder. Last evaluated: 2024-10-07. Review status: criteria provided, single submitter. Criteria: ACMG Guidelines, 2015. Collection method: clinical testing. Allele origin: germline. Affected: yes.
Comment: The variant is not observed in the gnomAD v4.1.0 dataset. Predicted Consequence/Location: Missense variant, This variant is located within the RPEL domain, where other potentially disease-causing variants have been reported(PMID: 37013900). In silico tool predictions suggest damaging effect of the variant on gene or gene product [REVEL: 0.76 (>=0.6, sensitivity 0.68 and specificity 0.92)]. Therefore, this variant is classified as VUS according to the recommendation of ACMG/AMP guideline.

NM_001308142.2(MRTFB):c.413C>A (p.Ala138Glu)

Gene: MRTFB (myocardin related transcription factor B; plus strand). Cytogenetic location: 16p13.12.
Variant type: single nucleotide variant.
Coding change: c.413C>A on transcript NM_001308142.2 (MANE Select); coding-DNA position 413, C replaced by A.
Protein change: p.Ala138Glu; replaces alanine 138 with glutamic acid.
Molecular consequence: missense variant.
Genome position (GRCh38, 1-based): chr16:14,217,186, C>A. VCF-style: chr16-14217186-C-A. GRCh37 (hg19) VCF-style: chr16-14311043-C-A.
Other names: c.380C>A, p.Ala127Glu (NM_001365411.2, NM_001365415.2); c.413C>A, p.Ala138Glu (NM_001365412.2, NM_014048.4); c.200C>A, p.Ala67Glu (NM_001365413.2, NM_001365414.2, NM_001365416.2); short protein forms A127E, A138E, A67E.
Identifiers: ClinVar variation 4293462 (VCV004293462.1).